The following is an entry in ClinVar:

NM_003793.4(CTSF):c.130C>T (p.Arg44Cys)

Gene: CTSF (cathepsin F; minus strand). Cytogenetic location: 11q13.2.
Variant type: single nucleotide variant.
Coding change: c.130C>T on transcript NM_003793.4 (MANE Select); coding-DNA position 130, C replaced by T.
Protein change: p.Arg44Cys; replaces arginine 44 with cysteine.
Molecular consequence: missense variant.
Genome position (GRCh38, 1-based): chr11:66,568,357, G>A on the plus strand (C>T on the coding strand, the complement: CTSF is on the minus strand). VCF-style: chr11-66568357-G-A. GRCh37 (hg19) VCF-style: chr11-66335828-G-A.
Other names: p.Arg44Cys; short protein forms R44C.
Identifiers: ClinVar variation 590130 (VCV000590130.20), dbSNP rs573483617, ClinGen allele CA6125707.

ClinVar aggregate classification (germline): Conflicting classifications of pathogenicity. Review status: criteria provided, conflicting classifications (1 of 4 stars). 6 submissions from 6 submitters: Uncertain significance (1); Benign (3); Likely benign (1). 1 of the submissions does not count toward it. Last evaluated 2026-01-25.

Conditions:
Neuronal ceroid lipofuscinosis 13 (CLN13). Also called: CEROID LIPOFUSCINOSIS, NEURONAL, 13 (KUFS TYPE); CLN13 Disease. Identifiers: Orphanet 352709, Orphanet 79262, MedGen C3715049, MONDO:0014147, OMIM 615362.
CTSF-related disorder. Also called: CTSF-related condition.
Inborn genetic diseases. Identifiers: MedGen C0950123, MeSH D030342.

Allele frequency attached by ClinVar (database versions not stated): TOPMed 0.00190; gnomAD 0.00201 and 0.00221; ExAC below 0.00001; gnomAD exomes 0.00014; 1000 Genomes Project 30x 0.00109; 1000 Genomes Project 0.00140.

Submissions (6):

Labcorp Genetics (formerly Invitae), Labcorp
Classification: Benign for Neuronal ceroid lipofuscinosis 13. Last evaluated: 2026-01-25. Review status: criteria provided, single submitter. Criteria: Invitae Variant Classification Sherloc (09022015). Collection method: clinical testing. Allele origin: germline.

Ambry Genetics
Classification: Uncertain significance for Inborn genetic diseases. Last evaluated: 2025-08-28. Review status: criteria provided, single submitter. Criteria: Ambry Variant Classification Scheme 2023. Collection method: clinical testing. Allele origin: germline.

Mayo Clinic Laboratories, Mayo Clinic
Classification: Benign. Last evaluated: 2025-06-13. Review status: criteria provided, single submitter. Criteria: ACMG Guidelines, 2015. Collection method: clinical testing. Allele origin: germline. Observed: 2 variant alleles.
Comment: BA1

GeneDx
Classification: Likely benign. Last evaluated: 2021-02-08. Review status: criteria provided, single submitter. Criteria: GeneDx Variant Classification Process June 2021. Collection method: clinical testing. Allele origin: germline. Affected: yes.

Athena Diagnostics
Classification: Benign. Last evaluated: 2019-05-29. Review status: criteria provided, single submitter. Criteria: Athena Diagnostics Criteria. Collection method: clinical testing. Allele origin: germline.

PreventionGenetics, part of Exact Sciences
Classification: Likely benign for CTSF-related condition. Last evaluated: 2022-05-09. Review status: no assertion criteria provided. Collection method: clinical testing. Allele origin: germline. Not counted in ClinVar's aggregate classification.
Comment: This variant is classified as likely benign based on ACMG/AMP sequence variant interpretation guidelines (Richards et al. 2015 PMID: 25741868, with internal and published modifications).